The following is an entry in ClinVar:

NM_001174147.2(LMX1B):c.*3881G>T

Gene: LMX1B (LIM homeobox transcription factor 1 beta; plus strand). Cytogenetic location: 9q33.3.
Variant type: single nucleotide variant.
Coding change: c.*3881G>T on transcript NM_001174147.2 (MANE Select); 3881 bases downstream of the stop codon, G replaced by T.
Molecular consequence: 3 prime UTR variant.
Genome position (GRCh38, 1-based): chr9:126,700,332, G>T. VCF-style: chr9-126700332-G-T. GRCh37 (hg19) VCF-style: chr9-129462611-G-T.
Other names: c.*3881G>T (NM_001174146.2, NM_002316.4).
Identifiers: ClinVar variation 364984 (VCV000364984.6), dbSNP rs10987421, ClinGen allele CA10632512.

ClinVar aggregate classification (germline): Benign. Review status: criteria provided, multiple submitters, no conflicts (2 of 4 stars). 2 submissions from 2 submitters: Benign (2). Last evaluated 2018-01-13.

Conditions:
Nail-patella syndrome (NPS). Also called: FONG DISEASE; ONYCHOOSTEODYSPLASIA; TURNER-KIESER SYNDROME. Identifiers: Orphanet 2614, MedGen C0027341, MONDO:0008061, OMIM 161200.

Allele frequency attached by ClinVar (database versions not stated): gnomAD 0.08782 and 0.09448; TOPMed 0.09559; gnomAD exomes 0.09615; 1000 Genomes Project 30x 0.12929; 1000 Genomes Project 0.13419.
gnomAD v4.1: 14,319 of 152,274 alleles (9.4%); highest among the groups gnomAD compares: East Asian, 23%; 992 homozygotes.

Submissions (2):

Illumina Laboratory Services, Illumina
Classification: Benign for Nail-patella syndrome. Last evaluated: 2018-01-13. Review status: criteria provided, single submitter. Criteria: ICSL Variant Classification Criteria 13 December 2019. Collection method: clinical testing. Allele origin: germline.
Comment: This variant was observed in the ICSL laboratory as part of a predisposition screen in an ostensibly healthy population. It had not been previously curated by ICSL or reported in the Human Gene Mutation Database (HGMD: prior to June 1st, 2018), and was therefore a candidate for classification through an automated scoring system. Utilizing variant allele frequency, disease prevalence and penetrance estimates, and inheritance mode, an automated score was calculated to assess if this variant is too frequent to cause the disease. Based on the score and internal cut-off values, a variant classified as benign is not then subjected to further curation. The score for this variant resulted in a classification of benign for this disease.

Breakthrough Genomics
Classification: Benign. Review status: criteria provided, single submitter. Criteria: ACMG Guidelines, 2015. Collection method: not provided. Allele origin: germline. Inheritance: Autosomal dominant inheritance. Affected: yes.